The following is an entry in ClinVar:

NM_020745.4(AARS2):c.2905G>T (p.Asp969Tyr)

Gene: AARS2 (alanyl-tRNA synthetase 2, mitochondrial; minus strand). Cytogenetic location: 6p21.1.
Variant type: single nucleotide variant.
Coding change: c.2905G>T on transcript NM_020745.4 (MANE Select); coding-DNA position 2905, G replaced by T.
Protein change: p.Asp969Tyr; replaces aspartic acid 969 with tyrosine.
Molecular consequence: missense variant.
Genome position (GRCh38, 1-based): chr6:44,300,600, C>A on the plus strand (G>T on the coding strand, the complement: AARS2 is on the minus strand). VCF-style: chr6-44300600-C-A. GRCh37 (hg19) VCF-style: chr6-44268337-C-A.
Other names: short protein forms D969Y.
Identifiers: ClinVar variation 712636 (VCV000712636.15), dbSNP rs150039184, ClinGen allele CA3833810.
Genomic context (GRCh38, chr6:44,300,600, plus strand): 5'-ACCTGGGTCAGAGCTGGCTGAGGGCATAGGTTTGGGCTATACTGAGGGCAGCTTCCAGGT[C>A]AGTAGTGCTTCCGGTGCCTTGGGCCACCACTCGTGAGCCCCACGCCTTGCCCCCCATGTG-3'
Protein context (NP_065796.2, residues 959-979): VVAQGTGSTT[Asp969Tyr]LEAALSIAQT

ClinVar aggregate classification (germline): Conflicting classifications of pathogenicity. Review status: criteria provided, conflicting classifications (1 of 4 stars). 4 submissions from 4 submitters: Uncertain significance (1); Likely benign (3). Last evaluated 2025-10-08.

Conditions:
Inborn genetic diseases. Identifiers: MedGen C0950123, MeSH D030342.

Allele frequency attached by ClinVar (database versions not stated): gnomAD exomes 0.00009 and 0.00029; ExAC 0.00035; 1000 Genomes Project 0.00060; 1000 Genomes Project 30x 0.00109; gnomAD 0.00113 and 0.00123; TOPMed 0.00121; ESP Exome Variant Server 0.00131.

Submissions (4):

Labcorp Genetics (formerly Invitae), Labcorp
Classification: Likely benign. Last evaluated: 2025-10-08. Review status: criteria provided, single submitter. Criteria: Invitae Variant Classification Sherloc (09022015). Collection method: clinical testing. Allele origin: germline.

Ambry Genetics
Classification: Likely benign for Inborn genetic diseases. Last evaluated: 2025-07-14. Review status: criteria provided, single submitter. Criteria: Ambry Variant Classification Scheme 2023. Collection method: clinical testing. Allele origin: germline.

Molecular Diagnostic Laboratory for Inherited Cardiovascular Disease, Montreal Heart Institute
Classification: Likely benign. Last evaluated: 2025-04-09. Review status: criteria provided, single submitter. Criteria: ACMG Guidelines, 2015. Collection method: clinical testing. Allele origin: germline. Affected: no.
Comment: BS1;BP4

GeneDx
Classification: Uncertain significance. Last evaluated: 2021-07-16. Review status: criteria provided, single submitter. Criteria: GeneDx Variant Classification Process June 2021. Collection method: clinical testing. Allele origin: germline. Affected: yes.
Comment: In silico analysis supports that this missense variant has a deleterious effect on protein structure/function; Has not been previously published as pathogenic or benign to our knowledge; This variant is associated with the following publications: (PMID: 27535533)